The following is an entry in ClinVar:

NM_001040142.2(SCN2A):c.945C>G (p.Asn315Lys)

Gene: SCN2A (sodium voltage-gated channel alpha subunit 2; plus strand). Cytogenetic location: 2q24.3.
Variant type: single nucleotide variant.
Coding change: c.945C>G on transcript NM_001040142.2 (MANE Select); coding-DNA position 945, C replaced by G.
Protein change: p.Asn315Lys; replaces asparagine 315 with lysine.
Molecular consequence: missense variant.
Genome position (GRCh38, 1-based): chr2:165,310,570, C>G. VCF-style: chr2-165310570-C-G. GRCh37 (hg19) VCF-style: chr2-166167080-C-G.
Other names: c.945C>G, p.Asn315Lys (NM_001040143.2, NM_001371246.1, NM_001371247.1 and 1 more transcripts); short protein forms N315K.
Identifiers: ClinVar variation 5008523 (VCV005008523.1).

ClinVar aggregate classification (germline): Uncertain significance (1 of 4 stars; one submission).

Submission:

GeneDx
Classification: Uncertain significance. Last evaluated: 2026-03-10. Review status: criteria provided, single submitter. Criteria: GeneDx Variant Classification Process June 2021. Collection method: clinical testing. Allele origin: germline.
Comment: Not observed at significant frequency in large population cohorts (gnomAD); In silico analysis supports that this missense variant has a deleterious effect on protein structure/function; Has not been previously published as pathogenic or benign to our knowledge; This substitution is predicted to be within the extracellular loop between the S5 and S6 transmembrane segments of the first homologous domain